The following is an entry in ClinVar:

ClinVar aggregate classification (germline): Benign/Likely benign. Review status: criteria provided, multiple submitters, no conflicts (2 of 4 stars). 9 submissions from 8 submitters: Benign (4); Likely benign (5). Last evaluated 2026-01-26.

Conditions:
Fibromuscular dysplasia, multifocal. Identifiers: MedGen C5543412, MONDO:0859151, OMIM 619329.
Ehlers-Danlos syndrome, classic type, 1 (EDSCL1). Also called: Ehlers-Danlos syndrome, type 1; EHLERS-DANLOS SYNDROME, GRAVIS TYPE; EHLERS-DANLOS SYNDROME, SEVERE CLASSIC TYPE; Ehlers-Danlos Syndrome, Classic Type, COL5A1-Related; EDS I. Identifiers: MedGen C0268335, MONDO:0019567, OMIM 130000.
Ehlers-Danlos syndrome, classic type (cEDS). Identifiers: Orphanet 287, MedGen C4225429, MONDO:0007522.
Familial thoracic aortic aneurysm and aortic dissection (TAAD). Also called: Thoracic aortic aneurysms and dissections. Identifiers: Orphanet 91387, MedGen C4707243, MONDO:0019625.

Allele frequency attached by ClinVar (database versions not stated): ExAC 0.00006; gnomAD exomes 0.00007; ESP Exome Variant Server 0.00008; TOPMed 0.00010.
gnomAD v4.1: 282 of 1,613,366 alleles (0.017%); highest among the groups gnomAD compares: Non-Finnish European, 0.022%; no homozygotes.

Submissions (9):

Labcorp Genetics (formerly Invitae), Labcorp
Classification: Likely benign for Ehlers-Danlos syndrome, classic type, 1. Last evaluated: 2026-01-26. Review status: criteria provided, single submitter. Criteria: Invitae Variant Classification Sherloc (09022015). Collection method: clinical testing. Allele origin: germline.

Women's Health and Genetics/Laboratory Corporation of America, LabCorp
Classification: Benign. Last evaluated: 2025-03-24. Review status: criteria provided, single submitter. Criteria: LabCorp Variant Classification Summary - May 2015. Collection method: clinical testing. Allele origin: germline.

Blueprint Genetics
Classification: Likely benign. Last evaluated: 2023-06-12. Review status: criteria provided, single submitter. Criteria: ACMG Guidelines, 2015. Collection method: clinical testing. Allele origin: germline.

Genome-Nilou Lab
Classification: Benign for Ehlers-Danlos syndrome, classic type, 1. Last evaluated: 2022-03-15. Review status: criteria provided, single submitter. Criteria: ACMG Guidelines, 2015. Collection method: clinical testing. Allele origin: germline. Affected: no.

Genome-Nilou Lab
Classification: Benign for Fibromuscular dysplasia, multifocal. Last evaluated: 2022-03-15. Review status: criteria provided, single submitter. Criteria: ACMG Guidelines, 2015. Collection method: clinical testing. Allele origin: germline. Affected: no.

Illumina Laboratory Services, Illumina
Classification: Likely benign for Ehlers-Danlos syndrome, classic type, 1. Last evaluated: 2018-01-13. Review status: criteria provided, single submitter. Criteria: ICSL Variant Classification Criteria 13 December 2019. Collection method: clinical testing. Allele origin: germline.
Comment: This variant was observed in the ICSL laboratory as part of a predisposition screen in an ostensibly healthy population. It had not been previously curated by ICSL or reported in the Human Gene Mutation Database (HGMD: prior to June 1st, 2018), and was therefore a candidate for classification through an automated scoring system. Utilizing variant allele frequency, disease prevalence and penetrance estimates, and inheritance mode, an automated score was calculated to assess if this variant is too frequent to cause the disease. Based on the score and internal cut-off values, a variant classified as likely benign is not then subjected to further curation. The score for this variant resulted in a classification of likely benign for this disease.

Ambry Genetics
Classification: Likely benign for Familial thoracic aortic aneurysm and aortic dissection. Last evaluated: 2015-03-19. Review status: criteria provided, single submitter. Criteria: Ambry Variant Classification Scheme 2023. Collection method: clinical testing. Allele origin: germline.

GeneDx
Classification: Benign. Last evaluated: 2015-01-19. Review status: criteria provided, single submitter. Criteria: GeneDx Variant Classification (06012015). Collection method: clinical testing. Allele origin: germline. Affected: yes.
Comment: This variant is considered likely benign or benign based on one or more of the following criteria: it is a conservative change, it occurs at a poorly conserved position in the protein, it is predicted to be benign by multiple in silico algorithms, and/or has population frequency not consistent with disease.

PreventionGenetics, part of Exact Sciences
Classification: Likely benign. Review status: criteria provided, single submitter. Criteria: ACMG Guidelines, 2015. Collection method: clinical testing. Allele origin: germline.

NM_000093.5(COL5A1):c.5154C>T (p.Ala1718=)

Genes: COL5A1 (collagen type V alpha 1 chain; plus strand), LOC101448202 (uncharacterized LOC101448202; minus strand). Cytogenetic location: 9q34.3.
Variant type: single nucleotide variant.
Coding change: c.5154C>T on transcript NM_000093.5 (MANE Select); coding-DNA position 5154, C replaced by T.
Protein change: p.Ala1718=; no amino-acid change (alanine 1718 retained).
Molecular consequence: synonymous variant.
Genome position (GRCh38, 1-based): chr9:134,834,988, C>T. VCF-style: chr9-134834988-C-T. GRCh37 (hg19) VCF-style: chr9-137726834-C-T.
Other names: p.A1718A:GCC>GCT; c.5154C>T, p.Ala1718= (NM_001278074.1).
Identifiers: ClinVar variation 212910 (VCV000212910.24), dbSNP rs147434147, ClinGen allele CA320263.